The following is an entry in ClinVar:

ClinVar aggregate classification (germline): Uncertain significance. Review status: criteria provided, multiple submitters, no conflicts (2 of 4 stars). 6 submissions from 4 submitters: Uncertain significance (6). Last evaluated 2025-02-27.

Conditions:
Retinitis pigmentosa 12 (RP12). Also called: RP WITH OR WITHOUT PRESERVED PARAARTERIOLE RETINAL PIGMENT EPITHELIUM; RETINITIS PIGMENTOSA WITH OR WITHOUT PARAARTERIOLAR PRESERVATION OF RETINAL PIGMENT EPITHELIUM; RP WITH OR WITHOUT PPRPE. Identifiers: Orphanet 791, MedGen C1838647, MONDO:0010818, OMIM 600105.
Leber congenital amaurosis 8 (LCA8). Identifiers: Orphanet 65, MedGen C3151202, MONDO:0013453, OMIM 613835.
Pigmented paravenous retinochoroidal atrophy. Identifiers: Orphanet 251295, MedGen C1868310, MONDO:0008246, OMIM 172870.
CRB1-related disorder. Also called: CRB1-related disorders; CRB1-related condition.

Allele frequency attached by ClinVar (database versions not stated): gnomAD 0.00001.
gnomAD v4.1: 1 of 1,613,982 alleles (0.000062%); highest among the groups gnomAD compares: African/African-American, 0.0013%; no homozygotes.

Submissions (6):

PreventionGenetics, part of Exact Sciences
Classification: Uncertain significance for CRB1-related condition. Last evaluated: 2025-02-27. Review status: criteria provided, single submitter. Criteria: ACMG Guidelines, 2015. Collection method: clinical testing. Allele origin: germline.
Comment: The CRB1 c.1909C>T variant is predicted to result in the amino acid substitution p.Pro637Ser. To our knowledge, this variant has not been reported in the literature. A variant impacting the same amino acid position (p.Pro637Leu) has been reported in the homozygous state in two individuals with autosomal recessive maculopathy (Table S2, Del Pozo-Valero et al. 2022. PubMed ID: 35119454). This variant is reported in 0.011% of alleles in individuals of African descent in gnomAD. Although we suspect this variant may be pathogenic, at this time, the clinical significance of this variant is uncertain due to the absence of conclusive functional and genetic evidence.

Genome-Nilou Lab
Classification: Uncertain significance for Leber congenital amaurosis 8. Last evaluated: 2023-04-11. Review status: criteria provided, single submitter. Criteria: ACMG Guidelines, 2015. Collection method: clinical testing. Allele origin: germline. Affected: no.

Genome-Nilou Lab
Classification: Uncertain significance for Pigmented paravenous retinochoroidal atrophy. Last evaluated: 2023-04-11. Review status: criteria provided, single submitter. Criteria: ACMG Guidelines, 2015. Collection method: clinical testing. Allele origin: germline. Affected: no.

Genome-Nilou Lab
Classification: Uncertain significance for Retinitis pigmentosa 12. Last evaluated: 2023-04-11. Review status: criteria provided, single submitter. Criteria: ACMG Guidelines, 2015. Collection method: clinical testing. Allele origin: germline. Affected: no.

Labcorp Genetics (formerly Invitae), Labcorp
Classification: Uncertain significance for Leber congenital amaurosis 8; Retinitis pigmentosa 12. Last evaluated: 2022-07-26. Review status: criteria provided, single submitter. Criteria: Invitae Variant Classification Sherloc (09022015). Collection method: clinical testing. Allele origin: germline.
Comment: This variant has not been reported in the literature in individuals affected with CRB1-related conditions. In summary, the available evidence is currently insufficient to determine the role of this variant in disease. Therefore, it has been classified as a Variant of Uncertain Significance. Algorithms developed to predict the effect of missense changes on protein structure and function (SIFT, PolyPhen-2, Align-GVGD) all suggest that this variant is likely to be disruptive. ClinVar contains an entry for this variant (Variation ID: 866666). This variant is present in population databases (no rsID available, gnomAD 0.01%). This sequence change replaces proline, which is neutral and non-polar, with serine, which is neutral and polar, at codon 637 of the CRB1 protein (p.Pro637Ser).

Blueprint Genetics
Classification: Uncertain significance. Last evaluated: 2019-08-07. Review status: criteria provided, single submitter. Criteria: ACMG Guidelines, 2015. Collection method: clinical testing. Allele origin: germline.

NM_201253.3(CRB1):c.1909C>T (p.Pro637Ser)

Gene: CRB1 (crumbs cell polarity complex component 1; plus strand). Cytogenetic location: 1q31.3.
Variant type: single nucleotide variant.
Coding change: c.1909C>T on transcript NM_201253.3 (MANE Select); coding-DNA position 1909, C replaced by T.
Protein change: p.Pro637Ser; replaces proline 637 with serine.
Molecular consequence: missense variant. On other transcripts: non-coding transcript variant (1).
Genome position (GRCh38, 1-based): chr1:197,421,737, C>T. VCF-style: chr1-197421737-C-T. GRCh37 (hg19) VCF-style: chr1-197390867-C-T.
Other names: c.1573C>T, p.Pro525Ser (NM_001193640.2); c.1702C>T, p.Pro568Ser (NM_001257965.2); c.1909C>T, p.Pro637Ser (NM_001257966.2); short protein forms P525S, P568S, P637S.
Identifiers: ClinVar variation 866666 (VCV000866666.11), dbSNP rs1457623741, ClinGen allele CA344032883.